The following is an entry in ClinVar:

ClinVar aggregate classification (germline): Pathogenic (1 of 4 stars; one submission).

Submission:

Labcorp Genetics (formerly Invitae), Labcorp
Classification: Pathogenic. Last evaluated: 2024-08-01. Review status: criteria provided, single submitter. Criteria: Invitae Variant Classification Sherloc (09022015). Collection method: clinical testing. Allele origin: germline.
Comment: This sequence change creates a premature translational stop signal (p.Gln469*) in the TUBGCP6 gene. It is expected to result in an absent or disrupted protein product. Loss-of-function variants in TUBGCP6 are known to be pathogenic (PMID: 25344692). This variant is not present in population databases (gnomAD no frequency). This variant has not been reported in the literature in individuals affected with TUBGCP6-related conditions. For these reasons, this variant has been classified as Pathogenic.

Literature cited by the submitters: PubMed 25344692.

NM_020461.4(TUBGCP6):c.1405C>T (p.Gln469Ter)

Gene: TUBGCP6 (tubulin gamma complex component 6; minus strand). Cytogenetic location: 22q13.33.
Variant type: single nucleotide variant.
Coding change: c.1405C>T on transcript NM_020461.4 (MANE Select); coding-DNA position 1405, C replaced by T.
Protein change: p.Gln469Ter; replaces glutamine 469 with a stop codon.
Molecular consequence: nonsense.
Genome position (GRCh38, 1-based): chr22:50,227,914, G>A on the plus strand (C>T on the coding strand, the complement: TUBGCP6 is on the minus strand). VCF-style: chr22-50227914-G-A. GRCh37 (hg19) VCF-style: chr22-50666343-G-A.
Other names: short protein forms Q469*.
Identifiers: ClinVar variation 3661216 (VCV003661216.2).